The following is an entry in ClinVar:

NM_002693.3(POLG):c.3240_3242dup (p.Arg1081dup)

Gene: POLG (DNA polymerase gamma, catalytic subunit; minus strand). Cytogenetic location: 15q26.1.
Variant type: Duplication.
Coding change: c.3240_3242dup on transcript NM_002693.3 (MANE Select); coding-DNA positions 3240 to 3242, 3 bases duplicated (CCG; older notation c.3240_3242dupCCG).
Protein change: p.Arg1081dup; duplicates arginine 1081.
Molecular consequence: inframe insertion.
Genome position (GRCh38, 1-based): chr15:89,318,962-89,318,964, CGG duplicated on the plus strand (CCG on the coding strand, the reverse complement: POLG is on the minus strand); duplicating any 3 consecutive bases within chr15:89,318,962-89,318,965 gives the same sequence; the c. name uses the placement nearest the transcript's 3' end. VCF-style (leftmost placement, unchanged base first): chr15-89318961-T-TCGG. GRCh37 (hg19) VCF-style: chr15-89862192-T-TCGG.
Other names: c.3240_3242dup, p.Arg1081dup (NM_001126131.2); c.3240_3242dupCCG (NM_002693.2).
Identifiers: ClinVar variation 419974 (VCV000419974.13), dbSNP rs1064794213, ClinGen allele CA10602263.

ClinVar aggregate classification (germline): Conflicting classifications of pathogenicity. Review status: criteria provided, conflicting classifications (1 of 4 stars). 6 submissions from 6 submitters: Likely pathogenic (5); Uncertain significance (1). Last evaluated 2022-09-27.

Conditions:
Inborn genetic diseases. Identifiers: MedGen C0950123, MeSH D030342.
Progressive sclerosing poliodystrophy (MTDPS4A). Also called: Mitochondrial DNA depletion syndrome 4A (Alpers type); Alpers Syndrome; ALPERS DIFFUSE DEGENERATION OF CEREBRAL GRAY MATTER WITH HEPATIC CIRRHOSIS; Mitochondrial DNA Depletion Syndrome 4A; Alpers-Huttenlocher Syndrome (AHS); ALPERS PROGRESSIVE INFANTILE POLIODYSTROPHY. Identifiers: Orphanet 726, MedGen C0205710, MONDO:0008758, OMIM 203700.

Submissions (6):

Labcorp Genetics (formerly Invitae), Labcorp
Classification: Uncertain significance for Progressive sclerosing poliodystrophy. Last evaluated: 2022-09-27. Review status: criteria provided, single submitter. Criteria: Invitae Variant Classification Sherloc (09022015). Collection method: clinical testing. Allele origin: germline.
Comment: This variant, c.3240_3242dup, results in the insertion of 1 amino acid(s) of the POLG protein (p.Arg1081dup), but otherwise preserves the integrity of the reading frame. This variant is present in population databases (no rsID available, gnomAD 0.0009%). This variant has been observed in individual(s) with clinical features of POLG-related conditions (PMID: 20434700, 21880868). In at least one individual the data is consistent with being in trans (on the opposite chromosome) from a pathogenic variant. ClinVar contains an entry for this variant (Variation ID: 419974). In summary, the available evidence is currently insufficient to determine the role of this variant in disease. Therefore, it has been classified as a Variant of Uncertain Significance.

Baylor Genetics
Classification: Likely pathogenic for Progressive sclerosing poliodystrophy. Last evaluated: 2022-07-17. Review status: criteria provided, single submitter. Criteria: ACMG Guidelines, 2015. Collection method: clinical testing. Allele origin: unknown.

GeneDx
Classification: Likely pathogenic. Last evaluated: 2022-01-28. Review status: criteria provided, single submitter. Criteria: GeneDx Variant Classification Process June 2021. Collection method: clinical testing. Allele origin: germline. Affected: yes.
Comment: Not observed at significant frequency in large population cohorts (gnomAD); In-frame insertion of 1 amino acids in a non-repeat region; This variant is associated with the following publications: (PMID: 21880868, 20434700)

Revvity Omics, Revvity
Classification: Likely pathogenic. Last evaluated: 2021-04-06. Review status: criteria provided, single submitter. Criteria: ACMG Guidelines, 2015. Collection method: clinical testing. Allele origin: germline.

Ambry Genetics
Classification: Likely pathogenic for Inborn genetic diseases. Last evaluated: 2019-02-15. Review status: criteria provided, single submitter. Criteria: Ambry exome assertion method (8-5-2015). Collection method: clinical testing. Allele origin: germline. Affected: yes. Observed: 1 variant allele.

Wong Mito Lab, Molecular and Human Genetics, Baylor College of Medicine
Classification: Likely pathogenic for Progressive sclerosing poliodystrophy. Last evaluated: 2018-10-01. Review status: criteria provided, single submitter. Criteria: ACMG Guidelines, 2015. Collection method: clinical testing. Allele origin: germline.
Comment: The NM_002693.2:c.3240_3242dup (NP_002684.1:p.Arg1081_Ala1082insArg) [GRCH38: NC_000015.10:g.89318963_89318965dup] variant in POLG gene is interpretated to be a Likely Pathogenic based on ACMG guidelines (PMID: 25741868). This variant meets the following evidence codes reported in the ACMG-guideline. PM2:This variant is absent in key population databases. PM3:Detected in trans with a pathogenic variant for Mitochondrial DNA depletion syndrome 4A (Alpers type) which is a recessive disorder. PP1:This variant is co-segregated with Mitochondrial DNA depletion syndrome 4A (Alpers type) in multiple affected family members. PP2:This is a missense variant in POLG with a low rate of benign and high rate of pathogenic missense variations. PP4:Patient's phenotype or family history is highly specific for POLG. Based on the evidence criteria codes applied, the variant is suggested to be Likely Pathogenic.

Literature cited by the submitters: PubMed 20434700 (cited by Labcorp Genetics (formerly Invitae), Labcorp and Ambry Genetics); PubMed 21880868 (cited by Labcorp Genetics (formerly Invitae), Labcorp and Ambry Genetics).